The following is an entry in ClinVar:

ClinVar aggregate classification (germline): Uncertain significance (1 of 4 stars; one submission).

gnomAD v4.1: 2 of 1,612,414 alleles (0.00012%); highest among the groups gnomAD compares: African/African-American, 0.0027%; no homozygotes.

Submission:

Labcorp Genetics (formerly Invitae), Labcorp
Classification: Uncertain significance. Last evaluated: 2025-06-12. Review status: criteria provided, single submitter. Criteria: Invitae Variant Classification Sherloc (09022015). Collection method: clinical testing. Allele origin: germline.
Comment: This sequence change replaces glutamic acid, which is acidic and polar, with lysine, which is basic and polar, at codon 426 of the MAP3K7 protein (p.Glu426Lys). This variant is not present in population databases (gnomAD no frequency). This variant has not been reported in the literature in individuals affected with MAP3K7-related conditions. ClinVar contains an entry for this variant (Variation ID: 3690986). An algorithm developed to predict the effect of missense changes on protein structure and function (PolyPhen-2) suggests that this variant is likely to be tolerated. In summary, the available evidence is currently insufficient to determine the role of this variant in disease. Therefore, it has been classified as a Variant of Uncertain Significance.

NM_145331.3(MAP3K7):c.1276G>A (p.Glu426Lys)

Gene: MAP3K7 (mitogen-activated protein kinase kinase kinase 7; minus strand). Cytogenetic location: 6q15.
Variant type: single nucleotide variant.
Coding change: c.1276G>A on transcript NM_145331.3 (MANE Select); coding-DNA position 1276, G replaced by A.
Protein change: p.Glu426Lys; replaces glutamic acid 426 with lysine.
Molecular consequence: missense variant. On other transcripts: intron variant (2).
Genome position (GRCh38, 1-based): chr6:90,544,567, C>T on the plus strand (G>A on the coding strand, the complement: MAP3K7 is on the minus strand). VCF-style: chr6-90544567-C-T. GRCh37 (hg19) VCF-style: chr6-91254286-C-T.
Other names: c.1276G>A, p.Glu426Lys (NM_145332.3); c.1210+2691G>A (NM_145333.3, NM_003188.4); short protein forms E426K.
Identifiers: ClinVar variation 3690986 (VCV003690986.2).